The following is an entry in ClinVar:

NM_000939.4(POMC):c.158A>G (p.Asp53Gly)

Genes: POMC (proopiomelanocortin; minus strand), LOC129933280 (ATAC-STARR-seq lymphoblastoid silent region 11244; plus strand). Cytogenetic location: 2p23.3.
Variant type: single nucleotide variant.
Coding change: c.158A>G on transcript NM_000939.4 (MANE Select); coding-DNA position 158, A replaced by G.
Protein change: p.Asp53Gly; replaces aspartic acid 53 with glycine.
Molecular consequence: missense variant.
Genome position (GRCh38, 1-based): chr2:25,161,727, T>C on the plus strand (A>G on the coding strand, the complement: POMC is on the minus strand). VCF-style: chr2-25161727-T-C. GRCh37 (hg19) VCF-style: chr2-25384596-T-C.
Other names: c.158A>G, p.Asp53Gly (NM_001035256.3, NM_001319204.2, NM_001319205.2); c.158A>G (NM_000939.3); short protein forms D53G.
Identifiers: ClinVar variation 335357 (VCV000335357.20), dbSNP rs28932470, ClinGen allele CA1555370.
Genomic context (GRCh38, chr2:25,161,727, plus strand): 5'-TTCTCGGTCAGAGGCTGCTCGTCGCCATTTCCCGGGAACATGGGAGTCTCGGCCGAGAGG[T>C]CGGGCTTGCAGGCCCGGATGCACTCCTGGGGGAAGACGCGAGGGCATGAGGGCAGCCCGT-3'
Protein context (NP_000930.1, residues 43-63): LLECIRACKP[Asp53Gly]LSAETPMFPG

ClinVar aggregate classification (germline): Conflicting classifications of pathogenicity. Review status: criteria provided, conflicting classifications (1 of 4 stars). 6 submissions from 5 submitters: Uncertain significance (3); Benign (1); Likely benign (1). 1 of the submissions does not count toward it. Last evaluated 2026-06-24.

Conditions:
Obesity. Also called: Obesity disorder. Identifiers: Orphanet 71529, MedGen C0028754, MeSH D009765, MONDO:0011122, HP:0001513.
Obesity due to pro-opiomelanocortin deficiency. Also called: Obesity, adrenal insufficiency, and red hair due to POMC deficiency; OBESITY, EARLY-ONSET, WITH ADRENAL INSUFFICIENCY AND RED HAIR; PROOPIOMELANOCORTIN DEFICIENCY. Identifiers: Orphanet 71526, MedGen C1857854, MONDO:0012335, OMIM 609734.
POMC-related disorder. Also called: POMC-related disorders; POMC-related condition.
Early onset severe obesity. Identifiers: MedGen C4013980.

Allele frequency attached by ClinVar (database versions not stated): gnomAD exomes 0.00043 and 0.00090; ESP Exome Variant Server 0.00091; 1000 Genomes Project 30x 0.00156; 1000 Genomes Project 0.00160; gnomAD 0.00173; ExAC 0.00199; TOPMed 0.00254.
gnomAD v4.1: 987 of 1,594,094 alleles (0.062%); highest among the groups gnomAD compares: African/African-American, 0.56%; 2 homozygotes.

Submissions (6):

Cambridge Genomics Laboratory, East Genomic Laboratory Hub, NHS Genomic Medicine Service
Classification: Uncertain significance for Severe early-onset obesity. Last evaluated: 2026-06-24. Review status: criteria provided, single submitter. Criteria: ACGS Best Practice Guidelines for Variant Classification in Rare Disease 2020. Collection method: clinical testing. Allele origin: germline. Affected: yes.
Comment: PM3_Supporting

Labcorp Genetics (formerly Invitae), Labcorp
Classification: Benign. Last evaluated: 2026-01-15. Review status: criteria provided, single submitter. Criteria: Invitae Variant Classification Sherloc (09022015). Collection method: clinical testing. Allele origin: germline.

New York Genome Center
Classification: Uncertain significance for Inherited obesity; Obesity due to pro-opiomelanocortin deficiency. Last evaluated: 2021-10-29. Review status: criteria provided, single submitter. Criteria: NYGC Assertion Criteria 2020. Collection method: clinical testing. Allele origin: germline. Observed: 2 heterozygotes. Clinical features observed: Type 2 diabetes mellitus (HP:0005978), Hyperlipidemia (HP:0003077).

Illumina Laboratory Services, Illumina
Classification: Likely benign for Obesity due to pro-opiomelanocortin deficiency. Last evaluated: 2018-01-13. Review status: criteria provided, single submitter. Criteria: ICSL Variant Classification Criteria 13 December 2019. Collection method: clinical testing. Allele origin: germline.
Comment: This variant was observed in the ICSL laboratory as part of a predisposition screen in an ostensibly healthy population. It had not been previously curated by ICSL or reported in the Human Gene Mutation Database (HGMD: prior to June 1st, 2018), and was therefore a candidate for classification through an automated scoring system. Utilizing variant allele frequency, disease prevalence and penetrance estimates, and inheritance mode, an automated score was calculated to assess if this variant is too frequent to cause the disease. Based on the score and internal cut-off values, a variant classified as likely benign is not then subjected to further curation. The score for this variant resulted in a classification of likely benign for this disease.

Illumina Laboratory Services, Illumina
Classification: Uncertain significance for Inherited obesity. Last evaluated: 2018-01-13. Review status: criteria provided, single submitter. Criteria: ICSL Variant Classification Criteria 13 December 2019. Collection method: clinical testing. Allele origin: germline.

PreventionGenetics, part of Exact Sciences
Classification: Likely benign for POMC-related condition. Last evaluated: 2020-05-15. Review status: no assertion criteria provided. Collection method: clinical testing. Allele origin: germline. Not counted in ClinVar's aggregate classification.
Comment: This variant is classified as likely benign based on ACMG/AMP sequence variant interpretation guidelines (Richards et al. 2015 PMID: 25741868, with internal and published modifications).